The following is an entry in ClinVar:

ClinVar aggregate classification (germline): Uncertain significance. Review status: criteria provided, multiple submitters, no conflicts (2 of 4 stars). 2 submissions from 2 submitters: Uncertain significance (2). Last evaluated 2025-01-19.

Conditions:
Inborn genetic diseases. Identifiers: MedGen C0950123, MeSH D030342.

Allele frequency attached by ClinVar (database versions not stated): gnomAD 0.00001; TOPMed 0.00001; ExAC 0.00005.
gnomAD v4.1: 13 of 1,614,038 alleles (0.00081%); highest among the groups gnomAD compares: Admixed American, 0.022%; no homozygotes.

Submissions (2):

Ambry Genetics
Classification: Uncertain significance for Inborn genetic diseases. Last evaluated: 2025-01-19. Review status: criteria provided, single submitter. Criteria: Ambry Variant Classification Scheme 2023. Collection method: clinical testing. Allele origin: germline.

Labcorp Genetics (formerly Invitae), Labcorp
Classification: Uncertain significance. Last evaluated: 2024-11-05. Review status: criteria provided, single submitter. Criteria: Invitae Variant Classification Sherloc (09022015). Collection method: clinical testing. Allele origin: germline.
Comment: This sequence change replaces glycine, which is neutral and non-polar, with alanine, which is neutral and non-polar, at codon 581 of the ADAMTS18 protein (p.Gly581Ala). This variant is present in population databases (rs768428958, gnomAD 0.03%). This variant has not been reported in the literature in individuals affected with ADAMTS18-related conditions. ClinVar contains an entry for this variant (Variation ID: 1939966). An algorithm developed to predict the effect of missense changes on protein structure and function (PolyPhen-2) suggests that this variant is likely to be disruptive. In summary, the available evidence is currently insufficient to determine the role of this variant in disease. Therefore, it has been classified as a Variant of Uncertain Significance.

NM_199355.4(ADAMTS18):c.1742G>C (p.Gly581Ala)

Gene: ADAMTS18 (ADAM metallopeptidase with thrombospondin type 1 motif 18; minus strand). Cytogenetic location: 16q23.1.
Variant type: single nucleotide variant.
Coding change: c.1742G>C on transcript NM_199355.4 (MANE Select); coding-DNA position 1742, G replaced by C.
Protein change: p.Gly581Ala; replaces glycine 581 with alanine.
Molecular consequence: missense variant.
Genome position (GRCh38, 1-based): chr16:77,335,873, C>G on the plus strand (G>C on the coding strand, the complement: ADAMTS18 is on the minus strand). VCF-style: chr16-77335873-C-G. GRCh37 (hg19) VCF-style: chr16-77369770-C-G.
Other names: c.1226G>C, p.Gly409Ala (NM_001326358.2); c.1742G>C (NM_199355.2); short protein forms G409A, G581A.
Identifiers: ClinVar variation 1939966 (VCV001939966.5), dbSNP rs768428958, ClinGen allele CA8181173.